The following is an entry in ClinVar:

ClinVar aggregate classification (germline): Benign (1 of 4 stars; one submission).

gnomAD v4.1: 148 of 398,634 alleles (0.037%); highest among the groups gnomAD compares: East Asian, 0.13%; 1 homozygote.

Submission:

CeGaT Center for Human Genetics Tuebingen
Classification: Benign. Last evaluated: 2025-09-01. Review status: criteria provided, single submitter. Criteria: CeGaT Center For Human Genetics Tuebingen Variant Classification Criteria Version 2. Collection method: clinical testing. Allele origin: germline. Affected: yes. Observed: 1 variant allele.
Comment: KCNQ1OT1: BS1, BS2

NM_000218.3(KCNQ1):c.1514+5807G>A

Genes: KCNQ1 (potassium voltage-gated channel subfamily Q member 1; plus strand), KCNQ1OT1 (KCNQ1 opposite strand/antisense transcript 1; minus strand). Cytogenetic location: 11p15.5.
Variant type: single nucleotide variant.
Coding change: c.1514+5807G>A on transcript NM_000218.3 (MANE Select); 5807 bases into the intron after coding-DNA position 1514, G replaced by A.
Molecular consequence: intron variant. On other transcripts: non-coding transcript variant (1).
Genome position (GRCh38, 1-based): chr11:2,667,888, G>A. VCF-style: chr11-2667888-G-A. GRCh37 (hg19) VCF-style: chr11-2689118-G-A.
Other names: c.1244+5807G>A (NM_001406837.1); c.1418+5807G>A (NM_001406836.1); c.974+5807G>A (NM_001406838.1); c.1133+5807G>A (NM_181798.2).
Identifiers: ClinVar variation 4281182 (VCV004281182.7).